The following is an entry in ClinVar:

ClinVar aggregate classification (germline): Likely benign. Review status: criteria provided, multiple submitters, no conflicts (2 of 4 stars). 2 submissions from 2 submitters: Likely benign (2). Last evaluated 2025-11-26.

Conditions:
Mucolipidosis type II. Also called: Mucolipidosis 2; ML 2; Inclusion cell disease; Leroy Disease; N-acetylglucosamine 1phosphotransferase deficiency; ML disorder type 2. Identifiers: Orphanet 576, MedGen C2673377, MONDO:0009650, OMIM 252500.
Pseudo-Hurler polydystrophy. Also called: Mucolipidosis III Alpha/Beta; MUCOLIPIDOSIS IIIA; Type III Mucolipidosis; ML IIIA; ML III; ML III ALPHA/BETA. Identifiers: Orphanet 423461, Orphanet 577, MedGen C0033788, MONDO:0018931, OMIM 252600.

Allele frequency attached by ClinVar (database versions not stated): gnomAD exomes 0.00001 and 0.00006; ExAC 0.00007; gnomAD 0.00015; TOPMed 0.00019; ESP Exome Variant Server 0.00023; 1000 Genomes Project 30x 0.00031; 1000 Genomes Project 0.00040.
gnomAD v4.1: 41 of 1,614,130 alleles (0.0025%); highest among the groups gnomAD compares: African/African-American, 0.031%; no homozygotes.

Submissions (2):

Labcorp Genetics (formerly Invitae), Labcorp
Classification: Likely benign for Pseudo-Hurler polydystrophy; Mucolipidosis type II. Last evaluated: 2025-11-26. Review status: criteria provided, single submitter. Criteria: Invitae Variant Classification Sherloc (09022015). Collection method: clinical testing. Allele origin: germline.

CeGaT Center for Human Genetics Tuebingen
Classification: Likely benign. Last evaluated: 2025-08-01. Review status: criteria provided, single submitter. Criteria: CeGaT Center For Human Genetics Tuebingen Variant Classification Criteria Version 2. Collection method: clinical testing. Allele origin: germline. Affected: yes. Observed: 1 variant allele.
Comment: GNPTAB: BP4, BP7

NM_024312.5(GNPTAB):c.222G>A (p.Pro74=)

Gene: GNPTAB (N-acetylglucosamine-1-phosphate transferase subunits alpha and beta; minus strand). Cytogenetic location: 12q23.2.
Variant type: single nucleotide variant.
Coding change: c.222G>A on transcript NM_024312.5 (MANE Select); coding-DNA position 222, G replaced by A.
Protein change: p.Pro74=; no amino-acid change (proline 74 retained).
Molecular consequence: synonymous variant.
Genome position (GRCh38, 1-based): chr12:101,790,039, C>T on the plus strand (G>A on the coding strand, the complement: GNPTAB is on the minus strand). VCF-style: chr12-101790039-C-T. GRCh37 (hg19) VCF-style: chr12-102183817-C-T.
Identifiers: ClinVar variation 1106977 (VCV001106977.17), dbSNP rs144607483, ClinGen allele CA6746951.
Genomic context (GRCh38, chr12:101,790,039, plus strand): 5'-CTGTAGTTCCTTCAGTAGTTCAAGATCTGTGCCATTCACCCAGGTGTAAACAACGTCAAT[C>T]GGCATGGGCAGACAAAGCCTAGGGCAAACCAACAAATCCTCCAGCTTAAATGCATTTTTC-3'
Protein context (NP_077288.2, residues 64-84): SFQNRLCLPM[Pro74=]IDVVYTWVNG